The following is an entry in ClinVar:

NM_201384.3(PLEC):c.10931G>A (p.Arg3644His)

Gene: PLEC (plectin; minus strand). Cytogenetic location: 8q24.3.
Variant type: single nucleotide variant.
Coding change: c.10931G>A on transcript NM_201384.3 (MANE Select); coding-DNA position 10931, G replaced by A.
Protein change: p.Arg3644His; replaces arginine 3644 with histidine.
Molecular consequence: missense variant.
Genome position (GRCh38, 1-based): chr8:143,918,890, C>T on the plus strand (G>A on the coding strand, the complement: PLEC is on the minus strand). VCF-style: chr8-143918890-C-T. GRCh37 (hg19) VCF-style: chr8-144993058-C-T.
Other names: c.11012G>A (NM_000445.3); c.11012G>A, p.Arg3671His (NM_000445.5); c.10889G>A, p.Arg3630His (NM_201378.4); c.10865G>A, p.Arg3622His (NM_201379.3); c.11342G>A, p.Arg3781His (NM_201380.4); c.10835G>A, p.Arg3612His (NM_201381.3); c.10931G>A, p.Arg3644His (NM_201382.4); c.10943G>A, p.Arg3648His (NM_201383.3); short protein forms R3781H, R3612H, R3622H, R3630H, R3644H, R3648H, R3671H.
Identifiers: ClinVar variation 581642 (VCV000581642.13), dbSNP rs368249132, ClinGen allele CA4924493.

ClinVar aggregate classification (germline): Uncertain significance. Review status: criteria provided, multiple submitters, no conflicts (2 of 4 stars). 4 submissions from 4 submitters: Uncertain significance (4). Last evaluated 2026-06-14.

Conditions:
PLEC-related disorder. Also called: PLEC-related disorders; PLEC-related condition.
Epidermolysis bullosa simplex 5C, with pyloric atresia (EBS5C). Also called: PLEC-Related Epidermolysis Bullosa with Pyloric Atresia; PLEC1-Related Epidermolysis Bullosa with Pyloric Atresia; Epidermolysis bullosa simplex with pyloric atresia. Identifiers: Orphanet 158684, MedGen C2677349, MONDO:0012807, OMIM 612138.
Epidermolysis bullosa simplex, Ogna type (EBS5A). Also called: Pidermolysis bullosa simplex 5A, Ogna type; EPIDERMOLYSIS BULLOSA SIMPLEX 5A, OGNA TYPE. Identifiers: Orphanet 79401, MedGen C0432317, MONDO:0007555, OMIM 131950.
Epidermolysis bullosa simplex 5B, with muscular dystrophy (EBS5B). Also called: Epidermolysis bullosa simplex with muscular dystrophy; EPIDERMOLYSIS BULLOSA SIMPLEX AND LIMB-GIRDLE MUSCULAR DYSTROPHY. Identifiers: Orphanet 257, MedGen C2931072, MONDO:0009181, OMIM 226670.
Epidermolysis bullosa simplex with nail dystrophy (EBS5D). Identifiers: MedGen C4225309, MONDO:0014661, OMIM 616487.
Autosomal recessive limb-girdle muscular dystrophy type 2Q (LGMDR17). Also called: MUSCULAR DYSTROPHY, LIMB-GIRDLE, AUTOSOMAL RECESSIVE 17. Identifiers: Orphanet 254361, MedGen C3150989, MONDO:0013390, OMIM 613723.
Inborn genetic diseases. Identifiers: MedGen C0950123, MeSH D030342.

Allele frequency attached by ClinVar (database versions not stated): ExAC 0.00005; gnomAD exomes 0.00005; gnomAD 0.00012 and 0.00014; TOPMed 0.00015; ESP Exome Variant Server 0.00031.

Submissions (4):

PreventionGenetics, part of Exact Sciences
Classification: Uncertain significance for PLEC-related condition. Last evaluated: 2026-06-14. Review status: criteria provided, single submitter. Criteria: ACMG Guidelines, 2015. Collection method: clinical testing. Allele origin: germline.
Comment: The PLEC c.11012G>A variant is predicted to result in the amino acid substitution p.Arg3671His. To our knowledge, this variant has not been reported in the literature. This variant is reported in 0.025% of alleles in individuals of African descent in gnomAD. At this time, the clinical significance of this variant is uncertain due to the absence of conclusive functional and genetic evidence.

Labcorp Genetics (formerly Invitae), Labcorp
Classification: Uncertain significance for Autosomal recessive limb-girdle muscular dystrophy type 2Q; Epidermolysis bullosa simplex, Ogna type; Epidermolysis bullosa simplex with nail dystrophy; Epidermolysis bullosa simplex 5C, with pyloric atresia; Epidermolysis bullosa simplex 5B, with muscular dystrophy. Last evaluated: 2025-10-02. Review status: criteria provided, single submitter. Criteria: Invitae Variant Classification Sherloc (09022015). Collection method: clinical testing. Allele origin: germline.
Comment: This sequence change replaces arginine, which is basic and polar, with histidine, which is basic and polar, at codon 3671 of the PLEC protein (p.Arg3671His). This variant is present in population databases (rs368249132, gnomAD 0.03%). This variant has not been reported in the literature in individuals affected with PLEC-related conditions. ClinVar contains an entry for this variant (Variation ID: 581642). An algorithm developed to predict the effect of missense changes on protein structure and function (PolyPhen-2) suggests that this variant is likely to be disruptive. In summary, the available evidence is currently insufficient to determine the role of this variant in disease. Therefore, it has been classified as a Variant of Uncertain Significance.

Ambry Genetics
Classification: Uncertain significance for Inborn genetic diseases. Last evaluated: 2023-12-27. Review status: criteria provided, single submitter. Criteria: Ambry Variant Classification Scheme 2023. Collection method: clinical testing. Allele origin: germline.

Revvity Omics, Revvity
Classification: Uncertain significance. Last evaluated: 2021-12-17. Review status: criteria provided, single submitter. Criteria: ACMG Guidelines, 2015. Collection method: clinical testing. Allele origin: germline.